The following is an entry in ClinVar:

NM_016604.4(KDM3B):c.916_917del (p.Arg306fs)

Gene: KDM3B (lysine demethylase 3B; plus strand). Cytogenetic location: 5q31.2.
Variant type: Deletion.
Coding change: c.916_917del on transcript NM_016604.4 (MANE Select); coding-DNA positions 916 to 917, 2 bases deleted (AG; older notation c.916_917delAG).
Protein change: p.Arg306fs; shifts the reading frame from arginine 306.
Molecular consequence: frameshift variant.
Genome position (GRCh38, 1-based): chr5:138,386,157-138,386,158, AG deleted. VCF-style (leftmost placement, unchanged base first): chr5-138386156-CAG-C. GRCh37 (hg19) VCF-style: chr5-137721845-CAG-C.
Other names: c.916_917delAG (NM_016604.3); short protein forms R306fs.
Identifiers: ClinVar variation 4854361 (VCV004854361.2).
Genomic context (GRCh38, chr5:138,386,156, plus strand): 5'-GAGGAGGAAAAGTGCTTCGGACTCTGGGTGTGACCCTGCATCAAAGAAATTAAAAGGAGA[CAG>C]GGGTGAAGTAGACAGTAATGGGAGCGATGGAGGTGAGGCAAGCCGAGGGCCCTGGAAAGG-3'

ClinVar aggregate classification (germline): Pathogenic/Likely pathogenic. Review status: criteria provided, multiple submitters, no conflicts (2 of 4 stars). 2 submissions from 2 submitters: Pathogenic (1); Likely pathogenic (1). Last evaluated 2026-01-15.

Conditions:
KDM3B-related disorder. Also called: KDM3B-related condition.
Diets-Jongmans syndrome. Also called: INTELLECTUAL DEVELOPMENTAL DISORDER WITH DISTINCTIVE FACIAL DYSMORPHISM. Identifiers: MedGen C5394263, MONDO:0030012, OMIM 618846.

Submissions (2):

3billion
Classification: Pathogenic for Diets-Jongmans syndrome. Last evaluated: 2026-01-15. Review status: criteria provided, single submitter. Criteria: ACMG Guidelines, 2015. Collection method: clinical testing. Allele origin: germline. Affected: yes.
Comment: The variant is observed at an extremely low frequency in the gnomAD v4.1.0 dataset (total allele frequency: <0.001%). Predicted Consequence/Location: Frameshift: predicted to result in a loss or disruption of normal protein function through nonsense-mediated decay (NMD) or protein truncation. Multiple pathogenic variants are reported downstream of the variant. The variant has been previously reported as de novo in a similarly affected individual (PMID: 30885698). The variant has been reported to be associated with KDM3B-related disorder (PMID: 30885698). Therefore, this variant is classified as Pathogenic according to the recommendation of ACMG/AMP guideline.

PreventionGenetics, part of Exact Sciences
Classification: Likely pathogenic for KDM3B-related condition. Last evaluated: 2025-10-29. Review status: criteria provided, single submitter. Criteria: ACMG Guidelines, 2015. Collection method: clinical testing. Allele origin: germline.
Comment: The KDM3B c.916_917delAG variant is predicted to result in a frameshift and premature protein termination (p.Arg306Glyfs*2). This variant was reported in an individual with hepatoblastoma, autism, and intellectual disability (Mahamdallie et al. 2019. PubMed ID: 30885698). This variant has not been reported in a large population database (gnomAD), indicating this variant is rare. Frameshift variants in KDM3B are expected to be pathogenic. This variant is interpreted as likely pathogenic.

Literature cited by the submitters: PubMed 30885698 (cited by 3billion).